The following is an entry in ClinVar:

NM_007294.4(BRCA1):c.2442_2443insT (p.Ile815fs)

Gene: BRCA1 (BRCA1 DNA repair associated; minus strand). Cytogenetic location: 17q21.31.
Variant type: Insertion.
Coding change: c.2442_2443insT on transcript NM_007294.4 (MANE Select); coding-DNA positions 2442 to 2443, T inserted.
Protein change: p.Ile815fs; shifts the reading frame from isoleucine 815.
Molecular consequence: frameshift variant. On other transcripts: intron variant (137).
Genome position: GRCh38 VCF-style: chr17-43093088-T-TA. GRCh37 (hg19) VCF-style: chr17-41245105-T-TA.
Other names: 2561insT-ter822; c.2229_2230insT, p.Ile744fs (NM_001407571.1, NM_001407898.1, NM_001407899.1 and 9 more transcripts); c.2442_2443insT, p.Ile815fs (NM_001407581.1, NM_001407582.1, NM_001407583.1 and 30 more transcripts); c.2439_2440insT, p.Ile814fs (NM_001407587.1, NM_001407590.1, NM_001407591.1 and 22 more transcripts); c.2364_2365insT, p.Ile789fs (NM_001407655.1, NM_001407656.1, NM_001407657.1 and 4 more transcripts); c.2361_2362insT, p.Ile788fs (NM_001407659.1, NM_001407660.1, NM_001407661.1 and 1 more transcripts); c.2316_2317insT, p.Ile773fs (NM_001407673.1, NM_001407691.1, NM_001407941.1 and 11 more transcripts); c.2319_2320insT, p.Ile774fs (NM_001407674.1, NM_001407675.1, NM_001407676.1 and 19 more transcripts); and 42 more; short protein forms I815fs, I768fs, I687fs, I726fs, I788fs, I519fs, I704fs, I727fs.
Identifiers: ClinVar variation 266263 (VCV000266263.6), dbSNP rs886040038, ClinGen allele CA10589851.
Genomic context (GRCh38, chr17:43,093,088, plus strand): 5'-GTCCCAATGGATACTTAAAGCCTTCTGTGTCATTTCTATTATCTTTGGAACAACCATGAA[T>TA]TAGTCCCTTGGGGTTTTCAAATGCTGCACACTGACTCACACATTTATTTGGTTCTGTTTT-3'

ClinVar aggregate classification (germline): Pathogenic. Review status: reviewed by expert panel (3 of 4 stars). 2 submissions from 2 submitters: Pathogenic (1). 1 of the submissions does not count toward it. Last evaluated 2016-10-18.

Conditions:
Breast-ovarian cancer, familial, susceptibility to, 1 (BROVCA1). Also called: BRCA1 Hereditary Breast and Ovarian Cancer; OVARIAN CANCER, SUSCEPTIBILITY TO. Identifiers: Orphanet 145, MedGen C2676676, MONDO:0011450, OMIM 604370. Disease mechanism: loss of function.

Submissions (2):

Evidence-based Network for the Interpretation of Germline Mutant Alleles (ENIGMA)
Classification: Pathogenic for Breast-ovarian cancer, familial, susceptibility to, 1. Last evaluated: 2016-10-18. Review status: reviewed by expert panel. Criteria: ENIGMA BRCA1/2 Classification Criteria (2015). Collection method: curation. Allele origin: germline.
Comment: Variant allele predicted to encode a truncated non-functional protein.

Consortium of Investigators of Modifiers of BRCA1/2 (CIMBA), c/o University of Cambridge
Classification: Pathogenic for Breast-ovarian cancer, familial, susceptibility to, 1. Last evaluated: 2015-10-02. Review status: criteria provided, single submitter. Criteria: CIMBA Mutation Classification guidelines May 2016. Collection method: clinical testing. Allele origin: germline. Not counted in ClinVar's aggregate classification.